The following is an entry in ClinVar:

ClinVar aggregate classification (germline): Uncertain significance (1 of 4 stars; one submission).

Conditions:
GLUT1 deficiency syndrome 1, autosomal recessive. Identifiers: MedGen C3149117.

Submission:

Labcorp Genetics (formerly Invitae), Labcorp
Classification: Uncertain significance for GLUT1 deficiency syndrome 1, autosomal recessive. Last evaluated: 2025-02-05. Review status: criteria provided, single submitter. Criteria: Invitae Variant Classification Sherloc (09022015). Collection method: clinical testing. Allele origin: germline.
Comment: This sequence change replaces leucine, which is neutral and non-polar, with arginine, which is basic and polar, at codon 109 of the SLC2A1 protein (p.Leu109Arg). This variant is not present in population databases (gnomAD no frequency). This variant has not been reported in the literature in individuals affected with SLC2A1-related conditions. ClinVar contains an entry for this variant (Variation ID: 1437406). Invitae Evidence Modeling of protein sequence and biophysical properties (such as structural, functional, and spatial information, amino acid conservation, physicochemical variation, residue mobility, and thermodynamic stability) indicates that this missense variant is expected to disrupt SLC2A1 protein function with a positive predictive value of 95%. In summary, the available evidence is currently insufficient to determine the role of this variant in disease. Therefore, it has been classified as a Variant of Uncertain Significance.

NM_006516.4(SLC2A1):c.326T>G (p.Leu109Arg)

Gene: SLC2A1 (solute carrier family 2 member 1; minus strand). Cytogenetic location: 1p34.2.
Variant type: single nucleotide variant.
Coding change: c.326T>G on transcript NM_006516.4 (MANE Select); coding-DNA position 326, T replaced by G.
Protein change: p.Leu109Arg; replaces leucine 109 with arginine.
Molecular consequence: missense variant.
Genome position (GRCh38, 1-based): chr1:42,930,816, A>C on the plus strand (T>G on the coding strand, the complement: SLC2A1 is on the minus strand). VCF-style: chr1-42930816-A-C. GRCh37 (hg19) VCF-style: chr1-43396487-A-C.
Other names: short protein forms L109R.
Identifiers: ClinVar variation 1437406 (VCV001437406.6), dbSNP rs2124450372, ClinGen allele CA339961223.